The following is an entry in ClinVar:

NM_001009944.3(PKD1):c.5070C>T (p.Ala1690=)

Gene: PKD1 (polycystin 1, transient receptor potential channel interacting; minus strand). Cytogenetic location: 16p13.3.
Variant type: single nucleotide variant.
Coding change: c.5070C>T on transcript NM_001009944.3 (MANE Select); coding-DNA position 5070, C replaced by T.
Protein change: p.Ala1690=; no amino-acid change (alanine 1690 retained).
Molecular consequence: synonymous variant.
Genome position (GRCh38, 1-based): chr16:2,110,097, G>A on the plus strand (C>T on the coding strand, the complement: PKD1 is on the minus strand). VCF-style: chr16-2110097-G-A. GRCh37 (hg19) VCF-style: chr16-2160098-G-A.
Other names: c.5070C>T, p.Ala1690= (NM_000296.4); c.5070C>T (NM_001009944.2).
Identifiers: ClinVar variation 1328264 (VCV001328264.6), dbSNP rs183090717, ClinGen allele CA7832133.

ClinVar aggregate classification (germline): Likely benign. Review status: criteria provided, multiple submitters, no conflicts (2 of 4 stars). 5 submissions from 5 submitters: Likely benign (2). 3 of the submissions do not count toward it. Last evaluated 2024-04-04.

Conditions:
PKD1-related disorder. Also called: PKD1-related condition.
Polycystic kidney disease, adult type (PKD1). Also called: Polycystic Kidney Disease 1, Autosomal Dominant; Polycystic kidney disease 1; Polycystic kidney disease 1, severe; Polycystic Kidney, Autosomal Dominant; POLYCYSTIC KIDNEY DISEASE 1 WITH OR WITHOUT POLYCYSTIC LIVER DISEASE; POLYCYSTIC KIDNEY DISEASE, ADULT, TYPE I. Identifiers: MedGen C3149841, MONDO:0008263, OMIM 173900.

Allele frequency attached by ClinVar (database versions not stated): ExAC 0.00009; gnomAD exomes 0.00009 and 0.00013; TOPMed 0.00011; gnomAD 0.00013; 1000 Genomes Project 0.00020; 1000 Genomes Project 30x 0.00031.
gnomAD v4.1: 156 of 1,609,612 alleles (0.0097%); highest among the groups gnomAD compares: Non-Finnish European, 0.012%; no homozygotes.

Submissions (5):

Blueprint Genetics
Classification: Likely benign. Last evaluated: 2024-04-04. Review status: criteria provided, single submitter. Criteria: ACMG Guidelines, 2015. Collection method: clinical testing. Allele origin: germline.

Fulgent Genetics
Classification: Likely benign for Polycystic kidney disease, adult type. Last evaluated: 2021-12-14. Review status: criteria provided, single submitter. Criteria: ACMG Guidelines, 2015. Collection method: clinical testing. Allele origin: unknown.

PreventionGenetics, part of Exact Sciences
Classification: Likely benign for PKD1-related condition. Last evaluated: 2019-03-08. Review status: no assertion criteria provided. Collection method: clinical testing. Allele origin: germline. Not counted in ClinVar's aggregate classification.
Comment: This variant is classified as likely benign based on ACMG/AMP sequence variant interpretation guidelines (Richards et al. 2015 PMID: 25741868, with internal and published modifications).

Clinical Genetics DNA and cytogenetics Diagnostics Lab, Erasmus MC, Erasmus Medical Center
Classification: Likely benign. Review status: no assertion criteria provided. Collection method: clinical testing. Allele origin: germline. Affected: yes. Study: VKGL Data-share Consensus. Not counted in ClinVar's aggregate classification.

Laboratory of Diagnostic Genome Analysis, Leiden University Medical Center (LUMC)
Classification: Likely benign. Review status: no assertion criteria provided. Collection method: clinical testing. Allele origin: germline. Affected: yes. Study: VKGL Data-share Consensus. Not counted in ClinVar's aggregate classification.